The following is an entry in ClinVar:

ClinVar aggregate classification (germline): Uncertain significance (1 of 4 stars; one submission).

Submission:

Labcorp Genetics (formerly Invitae), Labcorp
Classification: Uncertain significance. Last evaluated: 2026-02-01. Review status: criteria provided, single submitter. Criteria: Invitae Variant Classification Sherloc (09022015). Collection method: clinical testing. Allele origin: germline.
Comment: This sequence change replaces glycine, which is neutral and non-polar, with arginine, which is basic and polar, at codon 466 of the COL9A3 protein (p.Gly466Arg). This variant is not present in population databases (gnomAD no frequency). This variant has not been reported in the literature in individuals affected with COL9A3-related conditions. Invitae Evidence Modeling of protein sequence and biophysical properties (such as structural, functional, and spatial information, amino acid conservation, physicochemical variation, residue mobility, and thermodynamic stability) indicates that this missense variant is expected to disrupt COL9A3 protein function with a positive predictive value of 95%. In summary, the available evidence is currently insufficient to determine the role of this variant in disease. Therefore, it has been classified as a Variant of Uncertain Significance.

NM_001853.4(COL9A3):c.1396G>C (p.Gly466Arg)

Genes: COL9A3 (collagen type IX alpha 3 chain; plus strand), LOC126863084 (MED14-independent group 3 enhancer GRCh37_chr20:61467141-61468340; plus strand). Cytogenetic location: 20q13.33.
Variant type: single nucleotide variant.
Coding change: c.1396G>C on transcript NM_001853.4 (MANE Select); coding-DNA position 1396, G replaced by C.
Protein change: p.Gly466Arg; replaces glycine 466 with arginine.
Molecular consequence: missense variant.
Genome position (GRCh38, 1-based): chr20:62,835,948, G>C. VCF-style: chr20-62835948-G-C. GRCh37 (hg19) VCF-style: chr20-61467300-G-C.
Other names: short protein forms G466R.
Identifiers: ClinVar variation 4803143 (VCV004803143.1).